The following is an entry in ClinVar:

ClinVar aggregate classification (germline): Uncertain significance (1 of 4 stars; one submission).

Submission:

Labcorp Genetics (formerly Invitae), Labcorp
Classification: Uncertain significance. Last evaluated: 2021-08-05. Review status: criteria provided, single submitter. Criteria: Invitae Variant Classification Sherloc (09022015). Collection method: clinical testing. Allele origin: germline.
Comment: Algorithms developed to predict the effect of missense changes on protein structure and function are either unavailable or do not agree on the potential impact of this missense change (SIFT: "Tolerated"; PolyPhen-2: "Probably Damaging"; Align-GVGD: "Class C0"). This variant has not been reported in the literature in individuals affected with SORL1-related conditions. This variant is not present in population databases (ExAC no frequency). This sequence change replaces serine with asparagine at codon 524 of the SORL1 protein (p.Ser524Asn). The serine residue is highly conserved and there is a small physicochemical difference between serine and asparagine. In summary, the available evidence is currently insufficient to determine the role of this variant in disease. Therefore, it has been classified as a Variant of Uncertain Significance.

NM_003105.6(SORL1):c.1571G>A (p.Ser524Asn)

Gene: SORL1 (sortilin related receptor 1; plus strand). Cytogenetic location: 11q24.1.
Variant type: single nucleotide variant.
Coding change: c.1571G>A on transcript NM_003105.6 (MANE Select); coding-DNA position 1571, G replaced by A.
Protein change: p.Ser524Asn; replaces serine 524 with asparagine.
Molecular consequence: missense variant.
Genome position (GRCh38, 1-based): chr11:121,522,964, G>A. VCF-style: chr11-121522964-G-A. GRCh37 (hg19) VCF-style: chr11-121393673-G-A.
Other names: short protein forms S524N.
Identifiers: ClinVar variation 1409565 (VCV001409565.6), dbSNP rs2134858782, ClinGen allele CA383025348.
Genomic context (GRCh38, chr11:121,522,964, plus strand): 5'-CTTGCATTTTAGGCTCAGTGGGAAAGAACTTGGCTAGCAAGACAAACGTGTACATCTCTA[G>A]CAGTGCTGGAGCCAGGTGGCGAGAGGTCAGCCCCCTCCCCCAATCCCGTCCCCTCCACCC-3'
Protein context (NP_003096.2, residues 514-534): LASKTNVYIS[Ser524Asn]SAGARWREAL